The following is an entry in ClinVar:

ClinVar aggregate classification (germline): Pathogenic/Likely pathogenic. Review status: criteria provided, multiple submitters, no conflicts (2 of 4 stars). 2 submissions from 2 submitters: Pathogenic (1); Likely pathogenic (1). Last evaluated 2023-09-18.

Conditions:
Ornithine aminotransferase deficiency (GACR). Also called: OKT DEFICIENCY; Ornithine ketoacid aminotransferase deficiency; Gyrate atrophy; Gyrate atrophy of choroid and retina; Girate atrophy of the retina; HYPERORNITHINEMIA WITH GYRATE ATROPHY OF CHOROID AND RETINA. Identifiers: Orphanet 414, MedGen C0018425, MONDO:0009796, OMIM 258870.
OAT-related disorder. Also called: OAT-related condition.

Submissions (2):

Blueprint Genetics
Classification: Likely pathogenic for OAT-related disorders. Last evaluated: 2023-09-18. Review status: criteria provided, single submitter. Criteria: ACMG Guidelines, 2015. Collection method: clinical testing. Allele origin: germline. Affected: yes. Observed: 1 variant allele.

Labcorp Genetics (formerly Invitae), Labcorp
Classification: Pathogenic for Ornithine aminotransferase deficiency. Last evaluated: 2022-05-11. Review status: criteria provided, single submitter. Criteria: Invitae Variant Classification Sherloc (09022015). Collection method: clinical testing. Allele origin: germline.
Comment: This sequence change creates a premature translational stop signal (p.Tyr166*) in the OAT gene. It is expected to result in an absent or disrupted protein product. Loss-of-function variants in OAT are known to be pathogenic (PMID: 1737786, 23076989). This variant is not present in population databases (gnomAD no frequency). For these reasons, this variant has been classified as Pathogenic. This premature translational stop signal has been observed in individual(s) with gyrate atrophy (PMID: 26259030).

Literature cited by the submitters: PubMed 1737786 (cited by Labcorp Genetics (formerly Invitae), Labcorp); PubMed 23076989 (cited by Labcorp Genetics (formerly Invitae), Labcorp); PubMed 26259030 (cited by Labcorp Genetics (formerly Invitae), Labcorp).

NM_000274.4(OAT):c.498C>G (p.Tyr166Ter)

Gene: OAT (ornithine aminotransferase; minus strand). Cytogenetic location: 10q26.13.
Variant type: single nucleotide variant.
Coding change: c.498C>G on transcript NM_000274.4 (MANE Select); coding-DNA position 498, C replaced by G.
Protein change: p.Tyr166Ter; replaces tyrosine 166 with a stop codon.
Molecular consequence: nonsense. On other transcripts: 5 prime UTR variant (1), intron variant (1).
Genome position (GRCh38, 1-based): chr10:124,408,564, G>C on the plus strand (C>G on the coding strand, the complement: OAT is on the minus strand). VCF-style: chr10-124408564-G-C. GRCh37 (hg19) VCF-style: chr10-126097133-G-C.
Other names: c.84C>G, p.Tyr28Ter (NM_001171814.2); c.498C>G, p.Tyr166Ter (NM_001322965.2, NM_001322966.2, NM_001322967.2 and 3 more transcripts); c.-217C>G (NM_001322974.2); c.200-3001C>G (NM_001322971.2); short protein forms Y166*, Y28*.
Identifiers: ClinVar variation 1951540 (VCV001951540.6), dbSNP rs1270151043, ClinGen allele CA378636924.